The following is an entry in ClinVar:

NM_001253697.2(ERBIN):c.321T>G (p.Phe107Leu)

Gene: ERBIN (erbb2 interacting protein; plus strand). Cytogenetic location: 5q12.3.
Variant type: single nucleotide variant.
Coding change: c.321T>G on transcript NM_001253697.2 (MANE Select); coding-DNA position 321, T replaced by G.
Protein change: p.Phe107Leu; replaces phenylalanine 107 with leucine.
Molecular consequence: missense variant.
Genome position (GRCh38, 1-based): chr5:66,012,062, T>G. VCF-style: chr5-66012062-T-G. GRCh37 (hg19) VCF-style: chr5-65307890-T-G.
Other names: c.321T>G, p.Phe107Leu (NM_001006600.3, NM_001253698.2, NM_001253699.2 and 2 more transcripts); short protein forms F107L.
Identifiers: ClinVar variation 4769922 (VCV004769922.1).
Genomic context (GRCh38, chr5:66,012,062, plus strand): 5'-TGTCCTTTGTAATAGATCTTTTAATTTGATCGTTGTTTGTTTTCTAGGAATACAGGAGTT[T>G]CCAGAAAATATAAAAAATTGTAAAGTTTTGACAATTGTGGAGGCCAGTGTAAACCCTATT-3'
Protein context (NP_001240626.1, residues 97-117): LDVSKNGIQE[Phe107Leu]PENIKNCKVL

ClinVar aggregate classification (germline): Uncertain significance (1 of 4 stars; one submission).

gnomAD v4.1: 3 of 1,602,674 alleles (0.00019%); highest among the groups gnomAD compares: African/African-American, 0.0027%; no homozygotes.

Submission:

Labcorp Genetics (formerly Invitae), Labcorp
Classification: Uncertain significance. Last evaluated: 2025-08-04. Review status: criteria provided, single submitter. Criteria: Invitae Variant Classification Sherloc (09022015). Collection method: clinical testing. Allele origin: germline.
Comment: This sequence change replaces phenylalanine, which is neutral and non-polar, with leucine, which is neutral and non-polar, at codon 107 of the ERBIN protein (p.Phe107Leu). This variant is not present in population databases (gnomAD no frequency). This variant has not been reported in the literature in individuals affected with ERBIN-related conditions. An algorithm developed to predict the effect of missense changes on protein structure and function (PolyPhen-2) suggests that this variant is likely to be disruptive. In summary, the available evidence is currently insufficient to determine the role of this variant in disease. Therefore, it has been classified as a Variant of Uncertain Significance.